The following is an entry in ClinVar:

NM_000051.4(ATM):c.1274C>T (p.Ala425Val)

Gene: ATM (ATM serine/threonine kinase; plus strand). Cytogenetic location: 11q22.3.
Variant type: single nucleotide variant.
Coding change: c.1274C>T on transcript NM_000051.4 (MANE Select); coding-DNA position 1274, C replaced by T.
Protein change: p.Ala425Val; replaces alanine 425 with valine.
Molecular consequence: missense variant.
Genome position (GRCh38, 1-based): chr11:108,250,739, C>T. VCF-style: chr11-108250739-C-T. GRCh37 (hg19) VCF-style: chr11-108121466-C-T.
Other names: c.1274C>T, p.Ala425Val (NM_001351834.2); short protein forms A425V.
Identifiers: ClinVar variation 818770 (VCV000818770.7), dbSNP rs1301649540, ClinGen allele CA382533440.
Genomic context (GRCh38, chr11:108,250,739, plus strand): 5'-TATCCTTTTTTTTTTTTTTTAGGCTACAGATTGCAACCCAATTAATATCAAAGTATCCTG[C>T]AAGTTTACCTAACTGTGAGCTGTCTCCATTACTGATGATACTATCTCAGCTTCTACCCCA-3'
Protein context (NP_000042.3, residues 415-435): IATQLISKYP[Ala425Val]SLPNCELSPL

ClinVar aggregate classification (germline): Uncertain significance. Review status: criteria provided, multiple submitters, no conflicts (2 of 4 stars). 2 submissions from 2 submitters: Uncertain significance (2). Last evaluated 2024-01-01.

Conditions:
Ataxia-telangiectasia syndrome (AT). Also called: Cerebello-oculocutaneous telangiectasia; Immunodeficiency with ataxia telangiectasia; Ataxia-telangiectasia, complementation group E; Ataxia-telangiectasia, complementation group D; AT, COMPLEMENTATION GROUP C; ATAXIA-TELANGIECTASIA, COMPLEMENTATION GROUP A. Identifiers: Orphanet 100, MedGen C0004135, MONDO:0008840, OMIM 208900.
Hereditary cancer-predisposing syndrome. Also called: Hereditary Cancer Syndrome; Neoplastic Syndromes, Hereditary; Hereditary neoplastic syndrome; Tumor predisposition. Identifiers: Orphanet 140162, MedGen C0027672, MeSH D009386, MONDO:0015356.

Submissions (2):

Labcorp Genetics (formerly Invitae), Labcorp
Classification: Uncertain significance for Ataxia-telangiectasia syndrome. Last evaluated: 2024-01-01. Review status: criteria provided, single submitter. Criteria: Invitae Variant Classification Sherloc (09022015). Collection method: clinical testing. Allele origin: germline.
Comment: This sequence change replaces alanine, which is neutral and non-polar, with valine, which is neutral and non-polar, at codon 425 of the ATM protein (p.Ala425Val). This variant is not present in population databases (gnomAD no frequency). This variant has not been reported in the literature in individuals affected with ATM-related conditions. ClinVar contains an entry for this variant (Variation ID: 818770). Algorithms developed to predict the effect of missense changes on protein structure and function output the following: SIFT: "Not Available"; PolyPhen-2: "Benign"; Align-GVGD: "Not Available". The valine amino acid residue is found in multiple mammalian species, which suggests that this missense change does not adversely affect protein function. Algorithms developed to predict the effect of sequence changes on RNA splicing suggest that this variant may create or strengthen a splice site. In summary, the available evidence is currently insufficient to determine the role of this variant in disease. Therefore, it has been classified as a Variant of Uncertain Significance.

Ambry Genetics
Classification: Uncertain significance for Hereditary cancer-predisposing syndrome. Last evaluated: 2023-10-24. Review status: criteria provided, single submitter. Criteria: Ambry Variant Classification Scheme 2023. Collection method: clinical testing. Allele origin: germline.
Comment: The p.A425V variant (also known as c.1274C>T), located in coding exon 9 of the ATM gene, results from a C to T substitution at nucleotide position 1274. The alanine at codon 425 is replaced by valine, an amino acid with similar properties. This amino acid position is poorly conserved in available vertebrate species. In addition, this alteration is predicted to be tolerated by in silico analysis. Since supporting evidence is limited at this time, the clinical significance of this alteration remains unclear.